The following is an entry in ClinVar:

ClinVar aggregate classification (germline): Pathogenic (1 of 4 stars; one submission).

Submission:

Geisinger Autism and Developmental Medicine Institute, Geisinger Health System
Classification: Pathogenic. Last evaluated: 2018-04-03. Review status: criteria provided, single submitter. Criteria: ACMG CNV Guidelines, 2011. Collection method: provider interpretation. Allele origin: de novo.
Comment: Jaundice and sacral dimple were noted at birth. Notable facial features include: microcephaly, midface hypoplasia, triangular facies, fine hair, high forehead with broad and prominent brow, protruding low-set ears, epicanthus, deep-set eyes, sparse eyebrows, broad nasal root with low bridge, anteverted nares, small nasal tip, thin lips, small mouth, and small chin. Renal ultrasound was normal.

Single allele

Variant type: Duplication.
Identifiers: ClinVar variation 559454 (VCV000559454.3).